The following is an entry in ClinVar:

NM_032603.5(LOXL3):c.1793G>A (p.Arg598His)

Gene: LOXL3 (lysyl oxidase like 3; minus strand). Cytogenetic location: 2p13.1.
Variant type: single nucleotide variant.
Coding change: c.1793G>A on transcript NM_032603.5 (MANE Select); coding-DNA position 1793, G replaced by A.
Protein change: p.Arg598His; replaces arginine 598 with histidine.
Molecular consequence: missense variant.
Genome position (GRCh38, 1-based): chr2:74,534,561, C>T on the plus strand (G>A on the coding strand, the complement: LOXL3 is on the minus strand). VCF-style: chr2-74534561-C-T. GRCh37 (hg19) VCF-style: chr2-74761688-C-T.
Other names: c.1793G>A (NM_032603.4); c.1358G>A, p.Arg453His (NM_001289164.3); c.710G>A, p.Arg237His (NM_001289165.2); short protein forms R237H, R453H, R598H.
Identifiers: ClinVar variation 2414196 (VCV002414196.6), dbSNP rs755626043, ClinGen allele CA50490977.

ClinVar aggregate classification (germline): Uncertain significance. Review status: criteria provided, multiple submitters, no conflicts (2 of 4 stars). 2 submissions from 2 submitters: Uncertain significance (2). Last evaluated 2026-08-31.

Conditions:
LOXL3-related disorder. Also called: LOXL3-related condition.

Allele frequency attached by ClinVar (database versions not stated): gnomAD 0.00001; gnomAD exomes 0.00002; TOPMed 0.00002.

Submissions (2):

PreventionGenetics, part of Exact Sciences
Classification: Uncertain significance for LOXL3-related condition. Last evaluated: 2026-08-31. Review status: criteria provided, single submitter. Criteria: ACMG Guidelines, 2015. Collection method: clinical testing. Allele origin: germline.
Comment: The LOXL3 c.1793G>A variant is predicted to result in the amino acid substitution p.Arg598His. To our knowledge, this variant has not been reported in the literature. This variant is reported in 0.0035% of alleles in individuals of European (Non-Finnish) descent in gnomAD. At this time, the clinical significance of this variant is uncertain due to the absence of conclusive functional and genetic evidence.

Labcorp Genetics (formerly Invitae), Labcorp
Classification: Uncertain significance. Last evaluated: 2022-11-22. Review status: criteria provided, single submitter. Criteria: Invitae Variant Classification Sherloc (09022015). Collection method: clinical testing. Allele origin: germline.
Comment: In summary, the available evidence is currently insufficient to determine the role of this variant in disease. Therefore, it has been classified as a Variant of Uncertain Significance. Algorithms developed to predict the effect of missense changes on protein structure and function (SIFT, PolyPhen-2, Align-GVGD) all suggest that this variant is likely to be disruptive. This variant has not been reported in the literature in individuals affected with LOXL3-related conditions. This variant is present in population databases (rs755626043, gnomAD 0.004%). This sequence change replaces arginine, which is basic and polar, with histidine, which is basic and polar, at codon 598 of the LOXL3 protein (p.Arg598His).